The following is an entry in ClinVar:

NM_003640.5(ELP1):c.440dup (p.Ile148fs)

Gene: ELP1 (elongator acetyltransferase complex subunit 1; minus strand). Cytogenetic location: 9q31.3.
Variant type: Duplication.
Coding change: c.440dup on transcript NM_003640.5 (MANE Select); coding-DNA position 440, one base duplicated (A; older notation c.440dupA).
Protein change: p.Ile148fs; shifts the reading frame from isoleucine 148.
Molecular consequence: frameshift variant. On other transcripts: 5 prime UTR variant (1).
Genome position (GRCh38, 1-based): chr9:108,926,549, T duplicated on the plus strand (A on the coding strand, the reverse complement: ELP1 is on the minus strand). VCF-style (leftmost placement, unchanged base first): chr9-108926548-C-CT. GRCh37 (hg19) VCF-style: chr9-111688828-C-CT.
Other names: c.98dup, p.Ile34fs (NM_001318360.2); c.-420dup (NM_001330749.2); short protein forms I148fs, I34fs.
Identifiers: ClinVar variation 5016047 (VCV005016047.1).

ClinVar aggregate classification (germline): Pathogenic (1 of 4 stars; one submission).

Conditions:
Familial dysautonomia. Also called: HSAN III; FD. Identifiers: Orphanet 1764, MedGen C0013364, MONDO:0009131, OMIM 223900. Disease mechanism: loss of function.

Submission:

Myriad Genetics, Inc.
Classification: Pathogenic for Familial dysautonomia. Last evaluated: 2026-06-17. Review status: criteria provided, single submitter. Criteria: Myriad Autosomal Dominant, Autosomal Recessive and X-Linked Classification Criteria (2023). Collection method: clinical testing. Allele origin: unknown.
Comment: NM_003640.3(ELP1):c.440dupA(I148Dfs*5) is expected to be pathogenic in the context of familial dysautonomia. This variant is predicted to lead to an abnormal or absent protein product due to the creation of a premature termination codon in ELP1, a gene where loss-of-function variants are known to be pathogenic. Please note: this variant was assessed in the context of healthy population screening.